The following is an entry in ClinVar:

ClinVar aggregate classification (germline): Uncertain significance (1 of 4 stars; one submission).

Conditions:
Hereditary factor IX deficiency disease (HEMB). Also called: Christmas Disease; F9 DEFICIENCY; FACTOR IX DEFICIENCY; PLASMA THROMBOPLASTIN COMPONENT DEFICIENCY; Hemophilia B. Identifiers: Orphanet 98879, MedGen C0008533, MeSH D002836, MONDO:0010604, OMIM 306900.
Thrombophilia, X-linked, due to factor 9 defect. Identifiers: MedGen C2749016, MONDO:0010432, OMIM 300807.

Submission:

Labcorp Genetics (formerly Invitae), Labcorp
Classification: Uncertain significance for Thrombophilia, X-linked, due to factor 9 defect; Hereditary factor IX deficiency disease. Last evaluated: 2025-05-18. Review status: criteria provided, single submitter. Criteria: Invitae Variant Classification Sherloc (09022015). Collection method: clinical testing. Allele origin: germline.
Comment: This variant occurs in a non-coding region of the F9 gene. It does not change the encoded amino acid sequence of the F9 protein. This variant is not present in population databases (gnomAD no frequency). This variant has not been reported in the literature in individuals affected with F9-related conditions. Experimental studies and prediction algorithms are not available or were not evaluated, and the functional significance of this variant is currently unknown. In summary, the available evidence is currently insufficient to determine the role of this variant in disease. Therefore, it has been classified as a Variant of Uncertain Significance.

NC_000023.11:g.139530726A>C

Gene: F9 (coagulation factor IX; plus strand). Cytogenetic location: Xq27.1.
Variant type: single nucleotide variant.
Genome position: GRCh38 VCF-style: chrX-139530726-A-C. GRCh37 (hg19) VCF-style: chrX-138612885-A-C.
Identifiers: ClinVar variation 4787579 (VCV004787579.1).